The following is an entry in ClinVar:

ClinVar aggregate classification (germline): Uncertain significance (1 of 4 stars; one submission).

Conditions:
Kabuki syndrome. Also called: Kabuki make-up syndrome; NIIKAWA-KUROKI SYNDROME. Identifiers: Orphanet 2322, MedGen C0796004, MONDO:0016512.

Submission:

Labcorp Genetics (formerly Invitae), Labcorp
Classification: Uncertain significance for Kabuki syndrome. Last evaluated: 2022-09-03. Review status: criteria provided, single submitter. Criteria: Invitae Variant Classification Sherloc (09022015). Collection method: clinical testing. Allele origin: germline.
Comment: In summary, the available evidence is currently insufficient to determine the role of this variant in disease. Therefore, it has been classified as a Variant of Uncertain Significance. Advanced modeling of protein sequence and biophysical properties (such as structural, functional, and spatial information, amino acid conservation, physicochemical variation, residue mobility, and thermodynamic stability) performed at Invitae indicates that this missense variant is not expected to disrupt KMT2D protein function. This variant has not been reported in the literature in individuals affected with KMT2D-related conditions. This variant is not present in population databases (gnomAD no frequency). This sequence change replaces glutamic acid, which is acidic and polar, with lysine, which is basic and polar, at codon 1683 of the KMT2D protein (p.Glu1683Lys).

NM_003482.4(KMT2D):c.5047G>A (p.Glu1683Lys)

Gene: KMT2D (lysine methyltransferase 2D; minus strand). Cytogenetic location: 12q13.12.
Variant type: single nucleotide variant.
Coding change: c.5047G>A on transcript NM_003482.4 (MANE Select); coding-DNA position 5047, G replaced by A.
Protein change: p.Glu1683Lys; replaces glutamic acid 1683 with lysine.
Molecular consequence: missense variant.
Genome position (GRCh38, 1-based): chr12:49,044,439, C>T on the plus strand (G>A on the coding strand, the complement: KMT2D is on the minus strand). VCF-style: chr12-49044439-C-T. GRCh37 (hg19) VCF-style: chr12-49438222-C-T.
Other names: short protein forms E1683K.
Identifiers: ClinVar variation 1718773 (VCV001718773.5), dbSNP rs2120583629, ClinGen allele CA384637897.
Genomic context (GRCh38, chr12:49,044,439, plus strand): 5'-CACAACCCCATCCCAGGACCTCACCAGGCCGATATGGTTTACGCTTGCGTTTTTTGCTTT[C>T]CTCGGTCTCCTCTTTGCCAGGCTCCACATCAGGGCTGACGGGGCCCTCCAGTTTAATTTC-3'
Protein context (NP_003473.3, residues 1673-1693): DVEPGKEETE[Glu1683Lys]SKKRKRKPYR